The following is an entry in ClinVar:

ClinVar aggregate classification (germline): Uncertain significance. Review status: criteria provided, multiple submitters, no conflicts (2 of 4 stars). 2 submissions from 2 submitters: Uncertain significance (2). Last evaluated 2025-11-21.

Allele frequency attached by ClinVar (database versions not stated): gnomAD exomes below 0.00001; TOPMed 0.00001; gnomAD 0.00003.
gnomAD v4.1: 6 of 1,611,798 alleles (0.00037%); highest among the groups gnomAD compares: African/African-American, 0.008%; no homozygotes.

Submissions (2):

Labcorp Genetics (formerly Invitae), Labcorp
Classification: Uncertain significance. Last evaluated: 2025-11-21. Review status: criteria provided, single submitter. Criteria: Invitae Variant Classification Sherloc (09022015). Collection method: clinical testing. Allele origin: germline.
Comment: This sequence change replaces valine, which is neutral and non-polar, with isoleucine, which is neutral and non-polar, at codon 167 of the MAPKAPK3 protein (p.Val167Ile). This variant is present in population databases (no rsID available, gnomAD 0.01%). This variant has not been reported in the literature in individuals affected with MAPKAPK3-related conditions. ClinVar contains an entry for this variant (Variation ID: 1494090). An algorithm developed to predict the effect of missense changes on protein structure and function (PolyPhen-2) suggests that this variant is likely to be tolerated. In summary, the available evidence is currently insufficient to determine the role of this variant in disease. Therefore, it has been classified as a Variant of Uncertain Significance.

Ambry Genetics
Classification: Uncertain significance. Last evaluated: 2025-08-26. Review status: criteria provided, single submitter. Criteria: Ambry Variant Classification Scheme 2023. Collection method: clinical testing. Allele origin: germline.

NM_001243925.2(MAPKAPK3):c.499G>A (p.Val167Ile)

Gene: MAPKAPK3 (MAPK activated protein kinase 3; plus strand). Cytogenetic location: 3p21.2.
Variant type: single nucleotide variant.
Coding change: c.499G>A on transcript NM_001243925.2 (MANE Select); coding-DNA position 499, G replaced by A.
Protein change: p.Val167Ile; replaces valine 167 with isoleucine.
Molecular consequence: missense variant.
Genome position (GRCh38, 1-based): chr3:50,642,327, G>A. VCF-style: chr3-50642327-G-A. GRCh37 (hg19) VCF-style: chr3-50679758-G-A.
Other names: c.499G>A (NM_004635.4); c.499G>A, p.Val167Ile (NM_001243926.2, NM_004635.5); short protein forms V167I.
Identifiers: ClinVar variation 1494090 (VCV001494090.9), dbSNP rs1363506925, ClinGen allele CA352928324.